The following is an entry in ClinVar:

ClinVar aggregate classification (germline): Likely pathogenic (0 of 4 stars; one submission).

Conditions:
Marfan syndrome (MFS). Also called: MARFAN SYNDROME, TYPE I; Marfan syndrome type 1; Marfan's syndrome; FBN1-Related Marfan Syndrome; Marfan syndrome, classic. Identifiers: Orphanet 284963, Orphanet 558, MedGen C0024796, MONDO:0007947, OMIM 154700.

Submission:

Department of Laboratory Medicine and Genetics, Samsung Medical Center
Classification: Likely pathogenic for Marfan syndrome. Last evaluated: 2025-01-02. Review status: no assertion criteria provided. Collection method: clinical testing. Allele origin: germline. Affected: yes.
Comment: The NM_000138.5:c.5240_5251del, in-frame deletion variant is considered to be rare in the general population database (gnomAD v2.1.1). According to the ClinGen guidance for PP1/BS4 and PP4 criteria (PMID: 38103548), PP4 with weighted strength was applied. In summary, this variant was classified as a likely pathogenic variant for Marfan syndrome (PM4, PP4 with weighted strength, PM2_P).

Literature cited by the submitters: PubMed 37558401.

NM_000138.5(FBN1):c.5240_5251del (p.Leu1747_Ser1750del)

Gene: FBN1 (fibrillin 1; minus strand). Cytogenetic location: 15q21.1.
Variant type: Deletion.
Coding change: c.5240_5251del on transcript NM_000138.5 (MANE Select); coding-DNA positions 5240 to 5251, 12 bases deleted (TCTGTGGAAGTC).
Protein change: p.Leu1747_Ser1750del.
Molecular consequence: inframe deletion.
Genome position (GRCh38, 1-based): chr15:48,460,291-48,460,302, GACTTCCACAGA deleted on the plus strand (TCTGTGGAAGTC on the coding strand, the reverse complement: FBN1 is on the minus strand); deleting any 12 consecutive bases within chr15:48,460,291-48,460,303 gives the same sequence; the c. name uses the placement nearest the transcript's 3' end. VCF-style (leftmost placement, unchanged base first): chr15-48460290-TGACTTCCACAGA-T. GRCh37 (hg19) VCF-style: chr15-48752487-TGACTTCCACAGA-T.
Other names: c.5240_5251del, p.Leu1747_Ser1750del (NM_001406716.1).
Identifiers: ClinVar variation 3600243 (VCV003600243.1).